The following is an entry in ClinVar:

NM_001024845.3(SLC6A9):c.31-6164G>C

Gene: SLC6A9 (solute carrier family 6 member 9; minus strand). Cytogenetic location: 1p34.1.
Variant type: single nucleotide variant.
Coding change: c.31-6164G>C on transcript NM_001024845.3 (MANE Select); 6164 bases into the intron before coding-DNA position 31, G replaced by C.
Molecular consequence: intron variant. On other transcripts: splice donor variant (5).
Genome position (GRCh38, 1-based): chr1:44,017,046, C>G on the plus strand (G>C on the coding strand, the complement: SLC6A9 is on the minus strand). VCF-style: chr1-44017046-C-G. GRCh37 (hg19) VCF-style: chr1-44482718-C-G.
Other names: c.-15+7202G>C (NM_001328630.2, NM_001328626.2); c.31-6164G>C (NM_001328629.1); c.124+1G>C (NM_001328628.1, NM_001328627.1); c.87+1G>C (NM_001261380.2, NM_006934.4, NM_201649.4).
Identifiers: ClinVar variation 1472818 (VCV001472818.6), dbSNP rs2154306852, ClinGen allele CA340074819.

ClinVar aggregate classification (germline): Likely pathogenic (1 of 4 stars; one submission).

Conditions:
Atypical glycine encephalopathy. Also called: Glycine encephalopathy with normal serum glycine. Identifiers: Orphanet 289863, MedGen C4310943, MONDO:0015010, OMIM 617301.

Submission:

Labcorp Genetics (formerly Invitae), Labcorp
Classification: Likely pathogenic for Atypical glycine encephalopathy. Last evaluated: 2022-02-25. Review status: criteria provided, single submitter. Criteria: Invitae Variant Classification Sherloc (09022015). Collection method: clinical testing. Allele origin: germline.
Comment: In summary, the currently available evidence indicates that the variant is pathogenic, but additional data are needed to prove that conclusively. Therefore, this variant has been classified as Likely Pathogenic. Algorithms developed to predict the effect of sequence changes on RNA splicing suggest that this variant may disrupt the consensus splice site. This variant has not been reported in the literature in individuals affected with SLC6A9-related conditions. This variant is not present in population databases (gnomAD no frequency). This sequence change affects a donor splice site in intron 1 of the SLC6A9 gene. It is expected to disrupt RNA splicing. Variants that disrupt the donor or acceptor splice site typically lead to a loss of protein function (PMID: 16199547), and loss-of-function variants in SLC6A9 are known to be pathogenic (PMID: 27773429).

Literature cited by the submitters: PubMed 16199547; PubMed 27773429.